The following is an entry in ClinVar:

NM_006231.4(POLE):c.4804G>A (p.Val1602Ile)

Gene: POLE (DNA polymerase epsilon, catalytic subunit; minus strand). Cytogenetic location: 12q24.33.
Variant type: single nucleotide variant.
Coding change: c.4804G>A on transcript NM_006231.4 (MANE Select); coding-DNA position 4804, G replaced by A.
Protein change: p.Val1602Ile; replaces valine 1602 with isoleucine.
Molecular consequence: missense variant.
Genome position (GRCh38, 1-based): chr12:132,642,654, C>T on the plus strand (G>A on the coding strand, the complement: POLE is on the minus strand). VCF-style: chr12-132642654-C-T. GRCh37 (hg19) VCF-style: chr12-133219240-C-T.
Other names: c.4804G>A (NM_006231.2); short protein forms V1602I.
Identifiers: ClinVar variation 806969 (VCV000806969.24), dbSNP rs774541167, ClinGen allele CA6892706.

ClinVar aggregate classification (germline): Uncertain significance. Review status: criteria provided, multiple submitters, no conflicts (2 of 4 stars). 2 submissions from 2 submitters: Uncertain significance (2). Last evaluated 2025-04-17.

Conditions:
Hereditary cancer-predisposing syndrome. Also called: Neoplastic Syndromes, Hereditary; Hereditary Cancer Syndrome; Tumor predisposition; Hereditary neoplastic syndrome. Identifiers: Orphanet 140162, MedGen C0027672, MeSH D009386, MONDO:0015356.

Allele frequency attached by ClinVar (database versions not stated): ExAC 0.00001; gnomAD exomes 0.00001.
gnomAD v4.1: 2 of 1,613,354 alleles (0.00012%); highest among the groups gnomAD compares: Non-Finnish European, 0.00017%; no homozygotes.

Submissions (2):

Ambry Genetics
Classification: Uncertain significance for Hereditary cancer-predisposing syndrome. Last evaluated: 2025-04-17. Review status: criteria provided, single submitter. Criteria: Ambry Variant Classification Scheme 2023. Collection method: clinical testing. Allele origin: germline.
Comment: The p.V1602I variant (also known as c.4804G>A), located in coding exon 37 of the POLE gene, results from a G to A substitution at nucleotide position 4804. The valine at codon 1602 is replaced by isoleucine, an amino acid with highly similar properties. This amino acid position is conserved. In addition, this alteration is predicted to be tolerated by in silico analysis. Since supporting evidence is limited at this time, the clinical significance of this alteration remains unclear.

Labcorp Genetics (formerly Invitae), Labcorp
Classification: Uncertain significance. Last evaluated: 2022-01-28. Review status: criteria provided, single submitter. Criteria: Invitae Variant Classification Sherloc (09022015). Collection method: clinical testing. Allele origin: germline.
Comment: In summary, the available evidence is currently insufficient to determine the role of this variant in disease. Therefore, it has been classified as a Variant of Uncertain Significance. Algorithms developed to predict the effect of missense changes on protein structure and function output the following: SIFT: "Tolerated"; PolyPhen-2: "Benign"; Align-GVGD: "Class C0". The isoleucine amino acid residue is found in multiple mammalian species, which suggests that this missense change does not adversely affect protein function. ClinVar contains an entry for this variant (Variation ID: 806969). This variant has not been reported in the literature in individuals affected with POLE-related conditions. This variant is present in population databases (rs774541167, gnomAD 0.002%). This sequence change replaces valine, which is neutral and non-polar, with isoleucine, which is neutral and non-polar, at codon 1602 of the POLE protein (p.Val1602Ile).